The following is an entry in ClinVar:

ClinVar aggregate classification (germline): Uncertain significance (1 of 4 stars; one submission).

gnomAD v4.1: 3 of 1,591,122 alleles (0.00019%); highest among the groups gnomAD compares: South Asian, 0.0011%; no homozygotes.

Submission:

CeGaT Center for Human Genetics Tuebingen
Classification: Uncertain significance. Last evaluated: 2022-05-01. Review status: criteria provided, single submitter. Criteria: CeGaT Center For Human Genetics Tuebingen Variant Classification Criteria Version 2. Collection method: clinical testing. Allele origin: germline. Affected: yes. Observed: 1 variant allele.
Comment: GRK5: PM2

NM_005308.3(GRK5):c.1335C>A (p.His445Gln)

Gene: GRK5 (G protein-coupled receptor kinase 5; plus strand). Cytogenetic location: 10q26.11.
Variant type: single nucleotide variant.
Coding change: c.1335C>A on transcript NM_005308.3 (MANE Select); coding-DNA position 1335, C replaced by A.
Protein change: p.His445Gln; replaces histidine 445 with glutamine.
Molecular consequence: missense variant.
Genome position (GRCh38, 1-based): chr10:119,448,191, C>A. VCF-style: chr10-119448191-C-A. GRCh37 (hg19) VCF-style: chr10-121207703-C-A.
Other names: short protein forms H445Q.
Identifiers: ClinVar variation 2640878 (VCV002640878.24), dbSNP rs2493555393, ClinGen allele CA378292109.